The following is an entry in ClinVar:

NM_018230.3(NUP133):c.3205C>G (p.Leu1069Val)

Gene: NUP133 (nucleoporin 133; minus strand). Cytogenetic location: 1q42.13.
Variant type: single nucleotide variant.
Coding change: c.3205C>G on transcript NM_018230.3 (MANE Select); coding-DNA position 3205, C replaced by G.
Protein change: p.Leu1069Val; replaces leucine 1069 with valine.
Molecular consequence: missense variant.
Genome position (GRCh38, 1-based): chr1:229,449,166, G>C on the plus strand (C>G on the coding strand, the complement: NUP133 is on the minus strand). VCF-style: chr1-229449166-G-C. GRCh37 (hg19) VCF-style: chr1-229584913-G-C.
Other names: short protein forms L1069V.
Identifiers: ClinVar variation 1961245 (VCV001961245.5), dbSNP rs1571904887, ClinGen allele CA345142488.

ClinVar aggregate classification (germline): Uncertain significance (1 of 4 stars; one submission).

gnomAD v4.1: 6 of 1,610,724 alleles (0.00037%); highest among the groups gnomAD compares: African/African-American, 0.0013%; no homozygotes.

Submission:

Labcorp Genetics (formerly Invitae), Labcorp
Classification: Uncertain significance. Last evaluated: 2024-11-05. Review status: criteria provided, single submitter. Criteria: Invitae Variant Classification Sherloc (09022015). Collection method: clinical testing. Allele origin: germline.
Comment: This sequence change replaces leucine, which is neutral and non-polar, with valine, which is neutral and non-polar, at codon 1069 of the NUP133 protein (p.Leu1069Val). This variant is not present in population databases (gnomAD no frequency). This variant has not been reported in the literature in individuals affected with NUP133-related conditions. ClinVar contains an entry for this variant (Variation ID: 1961245). An algorithm developed to predict the effect of missense changes on protein structure and function (PolyPhen-2) suggests that this variant is likely to be disruptive. In summary, the available evidence is currently insufficient to determine the role of this variant in disease. Therefore, it has been classified as a Variant of Uncertain Significance.